The following is an entry in ClinVar:

ClinVar aggregate classification (germline): Uncertain significance (1 of 4 stars; one submission).

Allele frequency attached by ClinVar (database versions not stated): TOPMed below 0.00001; gnomAD 0.00001.
gnomAD v4.1: 1 of 1,611,624 alleles (0.000062%); highest among the groups gnomAD compares: Non-Finnish European, 0.000085%; no homozygotes.

Submission:

Labcorp Genetics (formerly Invitae), Labcorp
Classification: Uncertain significance. Last evaluated: 2025-08-18. Review status: criteria provided, single submitter. Criteria: Invitae Variant Classification Sherloc (09022015). Collection method: clinical testing. Allele origin: germline.
Comment: This sequence change replaces aspartic acid, which is acidic and polar, with asparagine, which is neutral and polar, at codon 476 of the VPS33A protein (p.Asp476Asn). This variant is not present in population databases (gnomAD no frequency). This variant has not been reported in the literature in individuals affected with VPS33A-related conditions. ClinVar contains an entry for this variant (Variation ID: 1398481). An algorithm developed to predict the effect of missense changes on protein structure and function (PolyPhen-2) suggests that this variant is likely to be tolerated. In summary, the available evidence is currently insufficient to determine the role of this variant in disease. Therefore, it has been classified as a Variant of Uncertain Significance.

NM_022916.6(VPS33A):c.1426G>A (p.Asp476Asn)

Gene: VPS33A (VPS33A core subunit of CORVET and HOPS complexes; minus strand). Cytogenetic location: 12q24.31.
Variant type: single nucleotide variant.
Coding change: c.1426G>A on transcript NM_022916.6 (MANE Select); coding-DNA position 1426, G replaced by A.
Protein change: p.Asp476Asn; replaces aspartic acid 476 with asparagine.
Molecular consequence: missense variant.
Genome position (GRCh38, 1-based): chr12:122,235,800, C>T on the plus strand (G>A on the coding strand, the complement: VPS33A is on the minus strand). VCF-style: chr12-122235800-C-T. GRCh37 (hg19) VCF-style: chr12-122720347-C-T.
Other names: c.1393G>A, p.Asp465Asn (NM_001351018.2); c.1378G>A, p.Asp460Asn (NM_001351019.2); c.1105G>A, p.Asp369Asn (NM_001351020.2); short protein forms D369N, D476N, D465N, D460N.
Identifiers: ClinVar variation 1398481 (VCV001398481.6), dbSNP rs1954622007, ClinGen allele CA387049991.